The following is an entry in ClinVar:

ClinVar aggregate classification (germline): Uncertain significance (1 of 4 stars; one submission).

Allele frequency attached by ClinVar (database versions not stated): TOPMed 0.00001.

Submission:

Labcorp Genetics (formerly Invitae), Labcorp
Classification: Uncertain significance. Last evaluated: 2020-11-19. Review status: criteria provided, single submitter. Criteria: Invitae Variant Classification Sherloc (09022015). Collection method: clinical testing. Allele origin: germline.
Comment: This sequence change replaces alanine with threonine at codon 331 of the RUNX2 protein (p.Ala331Thr). The alanine residue is moderately conserved and there is a small physicochemical difference between alanine and threonine. This variant is not present in population databases (ExAC no frequency). In summary, the available evidence is currently insufficient to determine the role of this variant in disease. Therefore, it has been classified as a Variant of Uncertain Significance. Algorithms developed to predict the effect of missense changes on protein structure and function are either unavailable or do not agree on the potential impact of this missense change (SIFT: "Tolerated"; PolyPhen-2: "Probably Damaging"; Align-GVGD: "Class C0"). This variant has not been reported in the literature in individuals with RUNX2-related conditions.

NM_001024630.4(RUNX2):c.991G>A (p.Ala331Thr)

Gene: RUNX2 (RUNX family transcription factor 2; plus strand). Cytogenetic location: 6p21.1.
Variant type: single nucleotide variant.
Coding change: c.991G>A on transcript NM_001024630.4 (MANE Select); coding-DNA position 991, G replaced by A.
Protein change: p.Ala331Thr; replaces alanine 331 with threonine.
Molecular consequence: missense variant.
Genome position (GRCh38, 1-based): chr6:45,512,377, G>A. VCF-style: chr6-45512377-G-A. GRCh37 (hg19) VCF-style: chr6-45480114-G-A.
Other names: c.991G>A, p.Ala331Thr (NM_001015051.4); c.949G>A, p.Ala317Thr (NM_001278478.2, NM_001369405.1); short protein forms A317T, A331T.
Identifiers: ClinVar variation 1055076 (VCV001055076.9), dbSNP rs1582191853, ClinGen allele CA363956088.